The following is an entry in ClinVar:

NM_003079.5(SMARCE1):c.493G>T (p.Glu165Ter)

Gene: SMARCE1 (SWI/SNF related BAF chromatin remodeling complex subunit E1; minus strand). Cytogenetic location: 17q21.2.
Variant type: single nucleotide variant.
Coding change: c.493G>T on transcript NM_003079.5 (MANE Select); coding-DNA position 493, G replaced by T.
Protein change: p.Glu165Ter; replaces glutamic acid 165 with a stop codon.
Molecular consequence: nonsense.
Genome position (GRCh38, 1-based): chr17:40,635,979, C>A on the plus strand (G>T on the coding strand, the complement: SMARCE1 is on the minus strand). VCF-style: chr17-40635979-C-A. GRCh37 (hg19) VCF-style: chr17-38792231-C-A.
Other names: c.493G>T (NM_003079.4); short protein forms E165*.
Identifiers: ClinVar variation 1425601 (VCV001425601.7), dbSNP rs2143996133, ClinGen allele CA399366358.

ClinVar aggregate classification (germline): Pathogenic. Review status: criteria provided, multiple submitters, no conflicts (2 of 4 stars). 2 submissions from 2 submitters: Pathogenic (2). Last evaluated 2024-12-31.

Conditions:
Hereditary cancer-predisposing syndrome. Also called: Tumor predisposition; Hereditary neoplastic syndrome; Neoplastic Syndromes, Hereditary; Hereditary Cancer Syndrome. Identifiers: Orphanet 140162, MedGen C0027672, MeSH D009386, MONDO:0015356.
Familial meningioma. Also called: Meningioma, familial, susceptibility to. Identifiers: Orphanet 263662, MedGen C3551915, MONDO:0011789, OMIM 607174.

Submissions (2):

Ambry Genetics
Classification: Pathogenic for Hereditary cancer-predisposing syndrome. Last evaluated: 2024-12-31. Review status: criteria provided, single submitter. Criteria: Ambry Variant Classification Scheme 2023. Collection method: clinical testing. Allele origin: germline.
Comment: The p.E165* pathogenic mutation (also known as c.493G>T), located in coding exon 6 of the SMARCE1 gene, results from a G to T substitution at nucleotide position 493. This changes the amino acid from a glutamic acid to a stop codon within coding exon 6. This variant is considered to be rare based on population cohorts in the Genome Aggregation Database (gnomAD). This alteration is expected to result in loss of function by premature protein truncation or nonsense-mediated mRNA decay. Loss-of-function variants in SMARCE1 are known to cause increased risk of meningiomas; however, such associations with neurodevelopmental disorders are exceedingly rare (Kosho T et al. Am J Med Genet C Semin Med Genet. 2014 Sep;166C(3):262-75; Smith JM et al. Nat Genet. 2013 Mar;45(3):295-8). Based on the supporting evidence, this alteration is pathogenic for an increased risk of meningiomas; however, the association of this alteration with an increased risk of Coffin-Siris syndrome is unlikely.

Labcorp Genetics (formerly Invitae), Labcorp
Classification: Pathogenic for Familial meningioma. Last evaluated: 2024-07-01. Review status: criteria provided, single submitter. Criteria: Invitae Variant Classification Sherloc (09022015). Collection method: clinical testing. Allele origin: germline.
Comment: This sequence change creates a premature translational stop signal (p.Glu165*) in the SMARCE1 gene. It is expected to result in an absent or disrupted protein product. Loss-of-function variants in SMARCE1 are known to be pathogenic (PMID: 23377182). This variant is not present in population databases (gnomAD no frequency). This variant has not been reported in the literature in individuals affected with SMARCE1-related conditions. ClinVar contains an entry for this variant (Variation ID: 1425601). Algorithms developed to predict the effect of sequence changes on RNA splicing suggest that this variant may disrupt the consensus splice site. For these reasons, this variant has been classified as Pathogenic.

Literature cited by the submitters: PubMed 23377182 (cited by Labcorp Genetics (formerly Invitae), Labcorp).